The following is an entry in ClinVar:

ClinVar aggregate classification (germline): Benign/Likely benign. Review status: criteria provided, multiple submitters, no conflicts (2 of 4 stars). 7 submissions from 7 submitters: Benign (4); Likely benign (2). 1 of the submissions does not count toward it. Last evaluated 2026-02-03.

Conditions:
Hypertrophic cardiomyopathy. Also called: HYPERTROPHIC MYOCARDIOPATHY. Identifiers: Orphanet 217569, MedGen C0007194, MeSH D002312, MONDO:0005045, HP:0001639.
Cardiomyopathy (CMYO). Also called: Cardiomyopathies. Identifiers: Orphanet 167848, MedGen C0878544, MONDO:0004994, HP:0001638. Inheritance: Various modes of inheritance.
Hypertrophic cardiomyopathy 1 (CMH1). Also called: MYH7-Related Familial Hypertrophic Cardiomyopathy; Familial hypertrophic cardiomyopathy 1. Identifiers: MedGen C3495498, MONDO:0008647, OMIM 192600.

Allele frequency attached by ClinVar (database versions not stated): gnomAD exomes 0.00317; ExAC 0.00402; gnomAD 0.01263 and 0.01365; TOPMed 0.01379; ESP Exome Variant Server 0.01391; 1000 Genomes Project 0.01498; 1000 Genomes Project 30x 0.01530.
gnomAD v4.1: 3,694 of 1,612,926 alleles (0.23%); highest among the groups gnomAD compares: African/African-American, 4.4%; 67 homozygotes.

Submissions (7):

Labcorp Genetics (formerly Invitae), Labcorp
Classification: Benign for Hypertrophic cardiomyopathy 1. Last evaluated: 2026-02-03. Review status: criteria provided, single submitter. Criteria: Invitae Variant Classification Sherloc (09022015). Collection method: clinical testing. Allele origin: germline.

ARUP Laboratories, Molecular Genetics and Genomics, ARUP Laboratories
Classification: Benign for Hypertrophic cardiomyopathy 1. Last evaluated: 2020-10-20. Review status: criteria provided, single submitter. Criteria: ARUP Molecular Germline Variant Investigation Process 2021. Collection method: clinical testing. Allele origin: germline.

CHEO Genetics Diagnostic Laboratory, Children's Hospital of Eastern Ontario
Classification: Likely benign for Cardiomyopathy. Last evaluated: 2016-01-18. Review status: criteria provided, single submitter. Criteria: ACMG Guidelines, 2015. Collection method: clinical testing. Allele origin: germline. Study: Canadian Open Genetics Repository.

GeneDx
Classification: Benign. Last evaluated: 2014-03-13. Review status: criteria provided, single submitter. Criteria: GeneDx Variant Classification (06012015). Collection method: clinical testing. Allele origin: germline. Affected: yes.
Comment: This variant is considered likely benign or benign based on one or more of the following criteria: it is a conservative change, it occurs at a poorly conserved position in the protein, it is predicted to be benign by multiple in silico algorithms, and/or has population frequency not consistent with disease.

Laboratory for Molecular Medicine, Mass General Brigham Personalized Medicine
Classification: Benign. Last evaluated: 2012-03-02. Review status: criteria provided, single submitter. Criteria: LMM Criteria. Collection method: clinical testing. Allele origin: germline. Observed: 25 variant alleles.
Comment: Gly89Asp in exon 3 of MYLK2: This variant is not expected to have clinical signi ficance because it has been identified in 3.9% (146/3716) of African American ch romosomes from a broad population by the NHLBI Exome Sequencing Project (dbSNP rs115398036).

Breakthrough Genomics
Classification: Likely benign. Review status: criteria provided, single submitter. Criteria: ACMG Guidelines, 2015. Collection method: not provided. Allele origin: germline. Inheritance: Autosomal dominant inheritance. Affected: yes.

Zaffran Lab, Genetics of Cardiac Diseases Laboratory, Marseille Medical Genetics
Classification: Benign for hypertrophic cardiomyopathy. Review status: no assertion criteria provided. Collection method: research. Allele origin: unknown. Affected: yes. Not counted in ClinVar's aggregate classification.

NM_033118.4(MYLK2):c.266G>A (p.Gly89Asp)

Gene: MYLK2 (myosin light chain kinase 2; plus strand). Cytogenetic location: 20q11.21.
Variant type: single nucleotide variant.
Coding change: c.266G>A on transcript NM_033118.4 (MANE Select); coding-DNA position 266, G replaced by A.
Protein change: p.Gly89Asp; replaces glycine 89 with aspartic acid.
Molecular consequence: missense variant.
Genome position (GRCh38, 1-based): chr20:31,820,339, G>A. VCF-style: chr20-31820339-G-A. GRCh37 (hg19) VCF-style: chr20-30408142-G-A.
Other names: p.G89D:GGC>GAC; short protein forms G89D.
Identifiers: ClinVar variation 46523 (VCV000046523.26), dbSNP rs115398036, ClinGen allele CA138525.